The following is an entry in ClinVar:

ClinVar aggregate classification (germline): Benign. Review status: criteria provided, multiple submitters, no conflicts (2 of 4 stars). 3 submissions from 3 submitters: Benign (3). Last evaluated 2023-10-03.

Allele frequency attached by ClinVar (database versions not stated): gnomAD exomes 0.00685 and 0.00677; 1000 Genomes Project 0.00300; TOPMed 0.00388; gnomAD 0.00572 and 0.00594; ExAC 0.00669; 1000 Genomes Project 30x 0.00250; ESP Exome Variant Server 0.00523.
gnomAD v4.1: 10,876 of 1,612,102 alleles (0.67%); highest among the groups gnomAD compares: Middle Eastern, 0.69%; 82 homozygotes.

Submissions (3):

Mayo Clinic Laboratories, Mayo Clinic
Classification: Benign. Last evaluated: 2023-10-03. Review status: criteria provided, single submitter. Criteria: ACMG Guidelines, 2015. Collection method: clinical testing. Allele origin: germline. Observed: 7 variant alleles.
Comment: BS1, BS2

Labcorp Genetics (formerly Invitae), Labcorp
Classification: Benign. Last evaluated: 2019-12-31. Review status: criteria provided, single submitter. Criteria: Invitae Variant Classification Sherloc (09022015). Collection method: clinical testing. Allele origin: germline.

Breakthrough Genomics
Classification: Benign. Review status: criteria provided, single submitter. Criteria: ACMG Guidelines, 2015. Collection method: not provided. Allele origin: germline. Inheritance: Unknown mechanism. Affected: yes.

NM_012111.3(AHSA1):c.561+5A>G

Gene: AHSA1 (activator of HSP90 ATPase activity 1; plus strand). Cytogenetic location: 14q24.3.
Variant type: single nucleotide variant.
Coding change: c.561+5A>G on transcript NM_012111.3 (MANE Select); 5 bases into the intron after coding-DNA position 561, A replaced by G.
Molecular consequence: intron variant.
Genome position (GRCh38, 1-based): chr14:77,464,691, A>G. VCF-style: chr14-77464691-A-G. GRCh37 (hg19) VCF-style: chr14-77931034-A-G.
Other names: c.156+5A>G (NM_001321441.2).
Identifiers: ClinVar variation 773558 (VCV000773558.6), dbSNP rs61755659, ClinGen allele CA7288376.